The following is an entry in ClinVar:

ClinVar aggregate classification (germline): Uncertain significance (1 of 4 stars; one submission).

Conditions:
Diamond-Blackfan anemia. Also called: Aase syndrome; Blackfan Diamond syndrome; Aregenerative anemia chronic congenital; Red cell aplasia, pure hereditary; Congenital hypoplastic anemia. Identifiers: Orphanet 124, MedGen C1260899, MeSH D029503, MONDO:0015253, HP:0004810.

Submission:

Labcorp Genetics (formerly Invitae), Labcorp
Classification: Uncertain significance for Diamond-Blackfan anemia. Last evaluated: 2018-05-03. Review status: criteria provided, single submitter. Criteria: Invitae Variant Classification Sherloc (09022015). Collection method: clinical testing. Allele origin: germline.
Comment: This variant is a gross deletion of the genomic region encompassing the non-coding exon 1 of the RPS19 gene. The 5' end of this event is unknown as it extends beyond the assayed region for this gene, and therefore may encompass additional genes.¬†The 3' boundary is likely confined to intron 1 of the RPS19 gene. In summary, the available evidence is currently insufficient to determine the role of this variant in disease. Therefore, it has been classified as a Variant of Uncertain Significance. This variant has not been reported in the literature in individuals with RPS19-related disease.

NC_000019.9:g.(?_42363988)_(42364359_?)del

Gene: RPS19 (ribosomal protein S19; plus strand). Cytogenetic location: 19q13.2.
Variant type: Deletion.
Identifiers: ClinVar variation 583706 (VCV000583706.13).